The following is an entry in ClinVar:

ClinVar aggregate classification (germline): Uncertain significance (1 of 4 stars; one submission).

Conditions:
Kabuki syndrome. Also called: NIIKAWA-KUROKI SYNDROME; Kabuki make-up syndrome. Identifiers: Orphanet 2322, MedGen C0796004, MONDO:0016512.

Submission:

Labcorp Genetics (formerly Invitae), Labcorp
Classification: Uncertain significance for Kabuki syndrome. Last evaluated: 2023-11-13. Review status: criteria provided, single submitter. Criteria: Invitae Variant Classification Sherloc (09022015). Collection method: clinical testing. Allele origin: germline.
Comment: This sequence change replaces proline, which is neutral and non-polar, with arginine, which is basic and polar, at codon 2950 of the KMT2D protein (p.Pro2950Arg). This variant is not present in population databases (gnomAD no frequency). This variant has not been reported in the literature in individuals affected with KMT2D-related conditions. Advanced modeling of protein sequence and biophysical properties (such as structural, functional, and spatial information, amino acid conservation, physicochemical variation, residue mobility, and thermodynamic stability) performed at Invitae indicates that this missense variant is not expected to disrupt KMT2D protein function with a negative predictive value of 95%. In summary, the available evidence is currently insufficient to determine the role of this variant in disease. Therefore, it has been classified as a Variant of Uncertain Significance.

NM_003482.4(KMT2D):c.8849C>G (p.Pro2950Arg)

Gene: KMT2D (lysine methyltransferase 2D; minus strand). Cytogenetic location: 12q13.12.
Variant type: single nucleotide variant.
Coding change: c.8849C>G on transcript NM_003482.4 (MANE Select); coding-DNA position 8849, C replaced by G.
Protein change: p.Pro2950Arg; replaces proline 2950 with arginine.
Molecular consequence: missense variant.
Genome position (GRCh38, 1-based): chr12:49,038,507, G>C on the plus strand (C>G on the coding strand, the complement: KMT2D is on the minus strand). VCF-style: chr12-49038507-G-C. GRCh37 (hg19) VCF-style: chr12-49432290-G-C.
Other names: short protein forms P2950R.
Identifiers: ClinVar variation 2804147 (VCV002804147.3), dbSNP rs2120499054, ClinGen allele CA384740716.